The following is an entry in ClinVar:

ClinVar aggregate classification (germline): Uncertain significance (1 of 4 stars; one submission).

Conditions:
Immunodeficiency 23 (IMD23). Also called: IMMUNODEFICIENCY WITH HYPER IgE AND COGNITIVE IMPAIRMENT; IMMUNODEFICIENCY-VASCULITIS-MYOCLONUS SYNDROME. Identifiers: Orphanet 443811, MedGen C4014371, MONDO:0014353, OMIM 615816.

Submission:

Labcorp Genetics (formerly Invitae), Labcorp
Classification: Uncertain significance for Immunodeficiency 23. Last evaluated: 2022-08-01. Review status: criteria provided, single submitter. Criteria: Invitae Variant Classification Sherloc (09022015). Collection method: clinical testing. Allele origin: germline.
Comment: A copy number gain of the genomic region encompassing the full coding sequence of the PGM3 gene has been identified. The boundaries of this event are unknown as they extend beyond the assayed region for this gene and therefore may encompass additional genes. As the precise location of this event is unknown, it may be in tandem or it may be located elsewhere in the genome. This variant has not been reported in the literature in individuals affected with PGM3-related conditions. In summary, the available evidence is currently insufficient to determine the role of this variant in disease. Therefore, it has been classified as a Variant of Uncertain Significance.

NC_000006.11:g.(?_83878953)_(83900987_?)dup

Gene: PGM3 (phosphoglucomutase 3; minus strand). Cytogenetic location: 6q14.1-14.2.
Variant type: Duplication.
Identifiers: ClinVar variation 1373772 (VCV001373772.4).